The following is an entry in ClinVar:

ClinVar aggregate classification (germline): Likely benign (1 of 4 stars; one submission).

Conditions:
Pheochromocytoma/paraganglioma syndrome 3. Also called: GLOMUS TUMORS, FAMILIAL, 3; Paragangliomas 3; SDHC-Related Hereditary Paraganglioma-Pheochromocytoma Syndrome (Paragangliomas 3); SDHC-Related Hereditary Paraganglioma-Pheochromocytoma Syndrome. Identifiers: Orphanet 29072, MedGen C1854336, MONDO:0011544, OMIM 605373.

Submission:

Myriad Genetics, Inc.
Classification: Likely benign for Pheochromocytoma/paraganglioma syndrome 3. Last evaluated: 2025-03-14. Review status: criteria provided, single submitter. Criteria: Myriad Autosomal Dominant, Autosomal Recessive and X-Linked Classification Criteria (2023). Collection method: clinical testing. Allele origin: unknown.
Comment: This variant is considered likely benign. This variant is intronic and is not expected to impact mRNA splicing.

NM_003001.5(SDHC):c.78-8T>C

Gene: SDHC (succinate dehydrogenase complex subunit C; plus strand). Cytogenetic location: 1q23.3.
Variant type: single nucleotide variant.
Coding change: c.78-8T>C on transcript NM_003001.5 (MANE Select); 8 bases into the intron before coding-DNA position 78, T replaced by C.
Molecular consequence: intron variant.
Genome position (GRCh38, 1-based): chr1:161,328,388, T>C. VCF-style: chr1-161328388-T-C. GRCh37 (hg19) VCF-style: chr1-161298178-T-C.
Other names: c.-34-8T>C (NM_001407119.1, NM_001407120.1); c.78-8T>C (NM_001407115.1, NM_001035511.3); c.77+4718T>C (NM_001035512.3, NM_001278172.3, NM_001407118.1); c.21-8T>C (NM_001407116.1, NM_001407121.1, NM_001407117.1); c.21-12206T>C (NM_001035513.3).
Identifiers: ClinVar variation 3904471 (VCV003904471.1).